The following is an entry in ClinVar:

NM_006206.6(PDGFRA):c.420G>A (p.Val140=)

Gene: PDGFRA (platelet derived growth factor receptor alpha; plus strand). Cytogenetic location: 4q12.
Variant type: single nucleotide variant.
Coding change: c.420G>A on transcript NM_006206.6 (MANE Select); coding-DNA position 420, G replaced by A.
Protein change: p.Val140=; no amino-acid change (valine 140 retained).
Molecular consequence: synonymous variant.
Genome position (GRCh38, 1-based): chr4:54,263,719, G>A. VCF-style: chr4-54263719-G-A. GRCh37 (hg19) VCF-style: chr4-55129886-G-A.
Other names: c.420G>A, p.Val140= (NM_001347827.2, NM_001347829.2); c.495G>A, p.Val165= (NM_001347828.2); c.459G>A, p.Val153= (NM_001347830.2).
Identifiers: ClinVar variation 240350 (VCV000240350.18), dbSNP rs112117596, ClinGen allele CA2922290.

ClinVar aggregate classification (germline): Benign/Likely benign. Review status: criteria provided, multiple submitters, no conflicts (2 of 4 stars). 4 submissions from 4 submitters: Benign (2); Likely benign (2). Last evaluated 2026-06-16.

Conditions:
Polyps, multiple and recurrent inflammatory fibroid, gastrointestinal. Identifiers: MedGen C5193005, MONDO:0008285, OMIM 175510.
Hereditary cancer-predisposing syndrome. Also called: Neoplastic Syndromes, Hereditary; Hereditary neoplastic syndrome; Hereditary Cancer Syndrome; Tumor predisposition. Identifiers: Orphanet 140162, MedGen C0027672, MeSH D009386, MONDO:0015356.
Gastrointestinal stromal tumor. Also called: Gastrointestinal stromal tumor, somatic; Gastrointestinal stroma tumor. Identifiers: Orphanet 44890, MedGen C0238198, MeSH D046152, MONDO:0011719, OMIM 606764, HP:0100723.

Allele frequency attached by ClinVar (database versions not stated): gnomAD exomes 0.00003 and 0.00007; ExAC 0.00007; ESP Exome Variant Server 0.00015; gnomAD 0.00021 and 0.00023; TOPMed 0.00032.
gnomAD v4.1: 91 of 1,613,598 alleles (0.0056%); highest among the groups gnomAD compares: African/African-American, 0.087%; 1 homozygote.

Submissions (4):

Myriad Genetics, Inc.
Classification: Benign for Polyps, multiple and recurrent inflammatory fibroid, gastrointestinal. Last evaluated: 2026-06-16. Review status: criteria provided, single submitter. Criteria: Myriad Autosomal Dominant, Autosomal Recessive and X-Linked Classification Criteria (2023). Collection method: clinical testing. Allele origin: unknown.
Comment: This variant is considered benign. This variant is a silent/synonymous amino acid change and it is not expected to impact splicing.

Labcorp Genetics (formerly Invitae), Labcorp
Classification: Benign for Gastrointestinal stromal tumor. Last evaluated: 2026-01-26. Review status: criteria provided, single submitter. Criteria: Invitae Variant Classification Sherloc (09022015). Collection method: clinical testing. Allele origin: germline.

Sema4
Classification: Likely benign for Hereditary cancer-predisposing syndrome. Last evaluated: 2021-01-10. Review status: criteria provided, single submitter. Criteria: Sema4 Curation Guidelines. Collection method: curation. Allele origin: germline.

Ambry Genetics
Classification: Likely benign for Hereditary cancer-predisposing syndrome. Last evaluated: 2019-04-16. Review status: criteria provided, single submitter. Criteria: Ambry Variant Classification Scheme 2023. Collection method: clinical testing. Allele origin: germline.